The following is an entry in ClinVar:

ClinVar aggregate classification (germline): Uncertain significance (1 of 4 stars; one submission).

Allele frequency attached by ClinVar (database versions not stated): gnomAD exomes below 0.00001.
gnomAD v4.1: 1 of 1,614,228 alleles (0.000062%); highest among the groups gnomAD compares: Non-Finnish European, 0.000085%; no homozygotes.

Submission:

Labcorp Genetics (formerly Invitae), Labcorp
Classification: Uncertain significance. Last evaluated: 2024-01-18. Review status: criteria provided, single submitter. Criteria: Invitae Variant Classification Sherloc (09022015). Collection method: clinical testing. Allele origin: germline.
Comment: This sequence change replaces lysine, which is basic and polar, with threonine, which is neutral and polar, at codon 1269 of the DUOX2 protein (p.Lys1269Thr). This variant is not present in population databases (gnomAD no frequency). This variant has not been reported in the literature in individuals affected with DUOX2-related conditions. Advanced modeling of protein sequence and biophysical properties (such as structural, functional, and spatial information, amino acid conservation, physicochemical variation, residue mobility, and thermodynamic stability) has been performed at Invitae for this missense variant, however the output from this modeling did not meet the statistical confidence thresholds required to predict the impact of this variant on DUOX2 protein function. In summary, the available evidence is currently insufficient to determine the role of this variant in disease. Therefore, it has been classified as a Variant of Uncertain Significance.

NM_001363711.2(DUOX2):c.3806A>C (p.Lys1269Thr)

Gene: DUOX2 (dual oxidase 2; minus strand). Cytogenetic location: 15q21.1.
Variant type: single nucleotide variant.
Coding change: c.3806A>C on transcript NM_001363711.2 (MANE Select); coding-DNA position 3806, A replaced by C.
Protein change: p.Lys1269Thr; replaces lysine 1269 with threonine.
Molecular consequence: missense variant.
Genome position (GRCh38, 1-based): chr15:45,097,279, T>G on the plus strand (A>C on the coding strand, the complement: DUOX2 is on the minus strand). VCF-style: chr15-45097279-T-G. GRCh37 (hg19) VCF-style: chr15-45389477-T-G.
Other names: c.3806A>C, p.Lys1269Thr (NM_014080.5); short protein forms K1269T.
Identifiers: ClinVar variation 2709999 (VCV002709999.3), dbSNP rs2504743115, ClinGen allele CA392254696.
Genomic context (GRCh38, chr15:45,097,279, plus strand): 5'-GTCAGGCTGGGCCTGATACCTGAGGGCAGCAGCTCCGCCTTCACCACGCTGATCTCCACC[T>G]TCTTCCGGCTCAGGCTCACCAGCTTGTCACCTCCATAGATGATTGCCGGGACCAGGAAGT-3'
Protein context (NP_001350640.1, residues 1259-1279): GDKLVSLSRK[Lys1269Thr]VEISVVKAEL